The following is an entry in ClinVar:

NM_012275.3(IL36RN):c.115+6T>C

Gene: IL36RN (interleukin 36 receptor antagonist; plus strand). Cytogenetic location: 2q14.1.
Variant type: single nucleotide variant.
Coding change: c.115+6T>C on transcript NM_012275.3 (MANE Select); 6 bases into the intron after coding-DNA position 115, T replaced by C.
Molecular consequence: intron variant.
Genome position (GRCh38, 1-based): chr2:113,060,943, T>C. VCF-style: chr2-113060943-T-C. GRCh37 (hg19) VCF-style: chr2-113818520-T-C.
Other names: IVS3, T-C, +6; c.115+6T>C (NM_173170.1).
Identifiers: ClinVar variation 40005 (VCV000040005.40), dbSNP rs148755083, ClinGen allele CA130699.

ClinVar aggregate classification (germline): Pathogenic/Likely pathogenic. Review status: criteria provided, multiple submitters, no conflicts (2 of 4 stars). 13 submissions from 13 submitters: Pathogenic (6); Likely pathogenic (2). 5 of the submissions do not count toward it. Last evaluated 2026-02-01.

Conditions:
Acrodermatitis continua suppurativa of Hallopeau (PSORS14). Also called: ACRODERMATITIS CONTINUA OF HALLOPEAU; Psoriasis 14, pustular; INTERLEUKIN 36 RECEPTOR ANTAGONIST DEFICIENCY. Identifiers: Orphanet 163931, MedGen C0392439, MONDO:0013626, OMIM 614204.
IL36RN-related disorder. Also called: IL36RN-related condition.
Autoinflammatory syndrome. Identifiers: Orphanet 93665, MedGen C3890737, MONDO:0019751.
Generalized pustular psoriasis. Identifiers: Orphanet 247353, MedGen C0343055, MONDO:0100491.
Type 2 diabetes mellitus. Also called: Type II diabetes mellitus. Identifiers: MedGen C0011860, MeSH D003924, MONDO:0005148, OMIM 125853, HP:0005978.

Allele frequency attached by ClinVar (database versions not stated): ExAC 0.00101; 1000 Genomes Project 30x 0.00219; 1000 Genomes Project 0.00280; TOPMed 0.00065; gnomAD exomes 0.00100 and 0.00021; gnomAD 0.00021 and 0.00035.
gnomAD v4.1: 379 of 1,608,740 alleles (0.024%); highest among the groups gnomAD compares: East Asian, 0.78%; 3 homozygotes.

Submissions (13):

Labcorp Genetics (formerly Invitae), Labcorp
Classification: Pathogenic for Generalized pustular psoriasis. Last evaluated: 2026-02-01. Review status: criteria provided, single submitter. Criteria: Invitae Variant Classification Sherloc (09022015). Collection method: clinical testing. Allele origin: germline.
Comment: This sequence change falls in intron 3 of the IL36RN gene. It does not directly change the encoded amino acid sequence of the IL36RN protein. RNA analysis indicates that this variant induces altered splicing and may result in an absent or altered protein product. This variant is present in population databases (rs148755083, gnomAD 1.3%), and has an allele count higher than expected for a pathogenic variant. This variant has been observed in individual(s) with generalized pustular psoriasis (PMID: 22903787, 23303454, 23698098, 23863864, 24979538, 26589685, 28063630). It is commonly reported in individuals of Japanese and Chinese ancestry (PMID: 22903787, 23303454, 23698098, 23863864, 24979538, 26589685, 28063630). ClinVar contains an entry for this variant (Variation ID: 40005). Variants that disrupt the consensus splice site are a relatively common cause of aberrant splicing (PMID: 17576681, 9536098). Studies have shown that this variant results in skipping of exon 3, and produces a non-functional protein and/or introduces a premature termination codon (PMID: 22903787, 23698098). For these reasons, this variant has been classified as Pathogenic.

Variantyx, Inc.
Classification: Pathogenic for Acrodermatitis continua suppurativa of Hallopeau. Last evaluated: 2025-07-30. Review status: criteria provided, single submitter. Criteria: Variantyx Assertion Criteria 2022. Collection method: clinical testing. Allele origin: germline. Inheritance: Autosomal recessive inheritance. Affected: no.
Comment: This is an intronic variant in the IL36RN gene (OMIM: 605507). Pathogenic variants in this gene have been associated with autosomal recessive pustular psoriasis 14. This splicing variant is expected to result in loss of function, which is a known disease mechanism for IL36RN in this disorder (PMID: 22903787) (PVS1). It has been identified in the homozygous or compound heterozygous state in multiple unrelated individuals reported in the published literature (PMID: 22903787, 23698098, 26589685) (PM3_Strong), and it has a 0.7782% maximum allele frequency in non-founder control populations.Algorithms that predict the potential impact of sequence variants on RNA splicing suggest that this variant has conflicting evidence regarding the effect on splicing. Based on the current evidence, this variant is classified as pathogenic for autosomal recessive pustular psoriasis 14.

GeneDx
Classification: Pathogenic. Last evaluated: 2024-11-08. Review status: criteria provided, single submitter. Criteria: GeneDx Variant Classification Process June 2021. Collection method: clinical testing. Allele origin: germline. Affected: yes.
Comment: Most common variant observed in Chinese patients and suggested to be a founder variant in Asian populations (PMID: 23863864, 26589685); Non-canonical splice site variant demonstrated to result in loss-of-function (PMID: 22903787); In silico analysis is inconclusive as to whether the variant alters gene splicing. In the absence of RNA/functional studies, the actual effect of this sequence change is unknown.; This variant is associated with the following publications: (PMID: 24979538, 24717243, 34339530, 32613680, 31062396, 26104679, 31589614, 27900482, 23698098, 31353537, 30835863, 26627198, 34539730, 22903787, 23303454, 25615897, 28369922, 29454537, 29665114, 29619998, 25468355, 25212972, 33415665, 34806229, 35922198, 36331855, 36704338, 36843341, 35426442, 35575468, 29655177, 23863864, 26589685)

Mendelics
Classification: Pathogenic for Acrodermatitis continua suppurativa of Hallopeau. Last evaluated: 2023-03-24. Review status: criteria provided, single submitter. Criteria: Mendelics Assertion Criteria 2017. Collection method: clinical testing. Allele origin: unknown.

Revvity Omics, Revvity
Classification: Pathogenic for Acrodermatitis continua suppurativa of Hallopeau. Last evaluated: 2022-12-29. Review status: criteria provided, single submitter. Criteria: ACMG Guidelines, 2015. Collection method: clinical testing. Allele origin: germline.

Beijing Key Laboratry for Genetics of Birth Defects, Beijing Children's Hospital
Classification: Likely pathogenic for Acrodermatitis continua suppurativa of Hallopeau. Last evaluated: 2020-02-28. Review status: criteria provided, single submitter. Criteria: ACMG Guidelines, 2015. Collection method: clinical testing. Allele origin: germline. Affected: yes. Observed: 1 variant allele.

Genome Diagnostics Laboratory, The Hospital for Sick Children
Classification: Likely pathogenic for Autoinflammatory syndrome. Last evaluated: 2016-12-12. Review status: criteria provided, single submitter. Criteria: ACMG Guidelines, 2015. Collection method: clinical testing. Allele origin: germline. Affected: yes.

Juno Genomics, Hangzhou Juno Genomics, Inc
Classification: Pathogenic for Acrodermatitis continua suppurativa of Hallopeau. Review status: criteria provided, single submitter. Criteria: ACMG Guidelines, 2015. Collection method: clinical testing. Allele origin: germline.
Comment: Null variant in a gene where loss of function (LOF) is a known mechanism of disease.;For recessive disorders, detected in trans with a pathogenic variant.;Patient's phenotype or family history is highly specific for a disease with a single genetic etiology.;Co-segregation with disease in multiple affected family members.;Allele frequency is greater than expected for disorder.

Gene Friend Way, National Innovation Center
Classification: Likely pathogenic for Type 2 diabetes mellitus. Last evaluated: 2025-01-01. Review status: no assertion criteria provided. Collection method: clinical testing. Allele origin: unknown. Affected: yes. Observed: 1 variant allele. Not counted in ClinVar's aggregate classification.
Comment: Studies have shown that this variant results in skipping of exon 3, and produces a non-functional protein and/or introduces a premature termination codon (PMID: 22903787, 23698098). The linking between the levels of pro-inflammatory IL-36α and IL-36γ, alongside decreased levels of IL-36Ra (the protein encoded by IL36RN), obesity and T2D (PMID: 31488830, 35222417) have been explored.

PreventionGenetics, part of Exact Sciences
Classification: Likely pathogenic for IL36RN-related condition. Last evaluated: 2024-02-16. Review status: no assertion criteria provided. Collection method: clinical testing. Allele origin: germline. Not counted in ClinVar's aggregate classification.
Comment: The IL36RN c.115+6T>C variant is predicted to interfere with splicing. RNA studies have shown this variant leads to skipping of exon 3 (Farooq et al. 2013. PubMed ID: 22903787). This variant, in the compound heterozygous and homozygous states, has been reported to be associated with generalized pustular psoriasis with incomplete penetrance (Sugiura et al. 2012. PubMed: 23303454; Shiratori et al. 2015. PubMed ID: 25615897; Liang et al. 2017. PubMed ID: 27900482; Setta-Kaffetzi et al. 2013. PubMed ID: 23303454). This variant is reported in 1.3% of alleles in individuals of East Asian descent in gnomAD. This variant is interpreted as likely pathogenic.

Reproductive Health Research and Development, BGI Genomics
Classification: Pathogenic for Pustular psoriasis, generalized. Last evaluated: 2020-01-06. Review status: no assertion criteria provided. Collection method: curation. Allele origin: germline. Not counted in ClinVar's aggregate classification.
Comment: NG_031864.1(NM_012275.2):c.115+6T>C in the IL36RN gene has an allele frequency of 0.013 in East Asian subpopulation in the gnomAD database. Farooq M et al. reported one patient with generalized pustular psoriasis was compound heterozygous for mutations c.115+6T>C and c.368C>G (p.Thr123Arg) and another was compound heterozygous for mutations c.28C>T (p.Arg10*) and c.115+6T>C in the IL36RN gene (PMID: 22903787). Shu D et al. reported two siblings with deficiency of IL-36Ra, from a Chinese Daur family, who both carried the homozygous IL36RN c.115+6T>C mutation, while other four healthy family members carried heterozygous c.115+6T>C mutations (PMID: 24979538). Experimental studies have shown that this intronic change causes skipping of exon 3, resulting in a truncated protein product (PMID: 23698098; 22903787). Taken together, we interprete this variant as Pathogenic/Likely pathogenic. ACMG/AMP Criteria applied: PS3, PM3_Strong, PP1, PP4.

OMIM
Classification: Pathogenic for PSORIASIS 14, PUSTULAR. Last evaluated: 2013-11-01. Review status: no assertion criteria provided. Collection method: literature only. Allele origin: germline. Not counted in ClinVar's aggregate classification.

Medical Laboratory Center, Huzhou Maternal and Child Health Hospital
Classification: Pathogenic for Acrodermatitis continua suppurativa of Hallopeau. Review status: no assertion criteria provided. Collection method: research. Allele origin: germline. Not counted in ClinVar's aggregate classification.

Literature cited by the submitters: PubMed 22903787 (cited by 4 submitters); PubMed 23303454 (cited by Labcorp Genetics (formerly Invitae), Labcorp and OMIM); PubMed 23698098 (cited by 3 submitters); PubMed 23863864 (cited by Labcorp Genetics (formerly Invitae), Labcorp and OMIM); PubMed 24979538 (cited by Labcorp Genetics (formerly Invitae), Labcorp); PubMed 26589685 (cited by Labcorp Genetics (formerly Invitae), Labcorp and Variantyx, Inc.); PubMed 28063630 (cited by Labcorp Genetics (formerly Invitae), Labcorp); PubMed 17576681 (cited by Labcorp Genetics (formerly Invitae), Labcorp); PubMed 9536098 (cited by Labcorp Genetics (formerly Invitae), Labcorp); PubMed 31488830 (cited by Gene Friend Way, National Innovation Center); PubMed 35222417 (cited by Gene Friend Way, National Innovation Center); PubMed 22428995 (cited by OMIM).